The following is an entry in ClinVar:

ClinVar aggregate classification (germline): Uncertain significance (1 of 4 stars; one submission).

Allele frequency attached by ClinVar (database versions not stated): gnomAD 0.00001; TOPMed 0.00001; ExAC 0.00002; gnomAD exomes 0.00002.
gnomAD v4.1: 37 of 1,614,022 alleles (0.0023%); highest among the groups gnomAD compares: Non-Finnish European, 0.0028%; no homozygotes.

Submission:

Labcorp Genetics (formerly Invitae), Labcorp
Classification: Uncertain significance. Last evaluated: 2023-06-30. Review status: criteria provided, single submitter. Criteria: Invitae Variant Classification Sherloc (09022015). Collection method: clinical testing. Allele origin: germline.
Comment: An algorithm developed to predict the effect of missense changes on protein structure and function (PolyPhen-2) suggests that this variant is likely to be disruptive. In summary, the available evidence is currently insufficient to determine the role of this variant in disease. Therefore, it has been classified as a Variant of Uncertain Significance. ClinVar contains an entry for this variant (Variation ID: 1988992). This variant has not been reported in the literature in individuals affected with NIN-related conditions. The frequency data for this variant in the population databases is considered unreliable, as metrics indicate poor data quality at this position in the gnomAD database. This sequence change replaces arginine, which is basic and polar, with tryptophan, which is neutral and slightly polar, at codon 293 of the NIN protein (p.Arg293Trp).

NM_020921.4(NIN):c.877C>T (p.Arg293Trp)

Gene: NIN (ninein; minus strand). Cytogenetic location: 14q22.1.
Variant type: single nucleotide variant.
Coding change: c.877C>T on transcript NM_020921.4 (MANE Select); coding-DNA position 877, C replaced by T.
Protein change: p.Arg293Trp; replaces arginine 293 with tryptophan.
Molecular consequence: missense variant.
Genome position (GRCh38, 1-based): chr14:50,772,405, G>A on the plus strand (C>T on the coding strand, the complement: NIN is on the minus strand). VCF-style: chr14-50772405-G-A. GRCh37 (hg19) VCF-style: chr14-51239123-G-A.
Other names: c.877C>T, p.Arg293Trp (NM_016350.5, NM_182944.3, NM_182946.2); short protein forms R293W.
Identifiers: ClinVar variation 1988992 (VCV001988992.4), dbSNP rs781377010, ClinGen allele CA7182337.